The following is an entry in ClinVar:

NM_000632.4(ITGAM):c.2846G>A (p.Arg949Gln)

Gene: ITGAM (integrin subunit alpha M; plus strand). Cytogenetic location: 16p11.2.
Variant type: single nucleotide variant.
Coding change: c.2846G>A on transcript NM_000632.4 (MANE Select); coding-DNA position 2846, G replaced by A.
Protein change: p.Arg949Gln; replaces arginine 949 with glutamine.
Molecular consequence: missense variant.
Genome position (GRCh38, 1-based): chr16:31,329,281, G>A. VCF-style: chr16-31329281-G-A. GRCh37 (hg19) VCF-style: chr16-31340602-G-A.
Other names: c.2849G>A, p.Arg950Gln (NM_001145808.2); short protein forms R949Q, R950Q.
Identifiers: ClinVar variation 1435715 (VCV001435715.6), dbSNP rs1168842622, ClinGen allele CA395698640.

ClinVar aggregate classification (germline): Uncertain significance (1 of 4 stars; one submission).

Allele frequency attached by ClinVar (database versions not stated): gnomAD exomes below 0.00001.
gnomAD v4.1: 7 of 1,612,600 alleles (0.00043%); highest among the groups gnomAD compares: Admixed American, 0.0017%; no homozygotes.

Submission:

Labcorp Genetics (formerly Invitae), Labcorp
Classification: Uncertain significance. Last evaluated: 2025-12-03. Review status: criteria provided, single submitter. Criteria: Invitae Variant Classification Sherloc (09022015). Collection method: clinical testing. Allele origin: germline.
Comment: This sequence change replaces arginine, which is basic and polar, with glutamine, which is neutral and polar, at codon 949 of the ITGAM protein (p.Arg949Gln). This variant is present in population databases (no rsID available, gnomAD 0.003%). This variant has not been reported in the literature in individuals affected with ITGAM-related conditions. ClinVar contains an entry for this variant (Variation ID: 1435715). An algorithm developed to predict the effect of missense changes on protein structure and function outputs the following: PolyPhen-2: "Benign". The glutamine amino acid residue is found in multiple mammalian species, which suggests that this missense change does not adversely affect protein function. In summary, the available evidence is currently insufficient to determine the role of this variant in disease. Therefore, it has been classified as a Variant of Uncertain Significance.